The following is an entry in ClinVar:

NM_182548.4(LHFPL5):c.269C>T (p.Pro90Leu)

Gene: LHFPL5 (LHFPL tetraspan subfamily member 5; plus strand). Cytogenetic location: 6p21.31.
Variant type: single nucleotide variant.
Coding change: c.269C>T on transcript NM_182548.4 (MANE Select); coding-DNA position 269, C replaced by T.
Protein change: p.Pro90Leu; replaces proline 90 with leucine.
Molecular consequence: missense variant.
Genome position (GRCh38, 1-based): chr6:35,805,939, C>T. VCF-style: chr6-35805939-C-T. GRCh37 (hg19) VCF-style: chr6-35773716-C-T.
Other names: short protein forms P90L.
Identifiers: ClinVar variation 4071863 (VCV004071863.1).

ClinVar aggregate classification (germline): Uncertain significance (1 of 4 stars; one submission).

gnomAD v4.1: 1 of 1,614,254 alleles (0.000062%); highest among the groups gnomAD compares: Non-Finnish European, 0.000085%; no homozygotes.

Submission:

GeneDx
Classification: Uncertain significance. Last evaluated: 2025-01-27. Review status: criteria provided, single submitter. Criteria: GeneDx Variant Classification Process June 2021. Collection method: clinical testing. Allele origin: germline. Affected: yes.
Comment: Not observed at significant frequency in large population cohorts (gnomAD); In silico analysis supports that this missense variant has a deleterious effect on protein structure/function; Has not been previously published as pathogenic or benign to our knowledge